The following is an entry in ClinVar:

ClinVar aggregate classification (germline): Uncertain significance. Review status: criteria provided, multiple submitters, no conflicts (2 of 4 stars). 2 submissions from 2 submitters: Uncertain significance (2). Last evaluated 2024-07-15.

Conditions:
Nephronophthisis 14 (NPHP14). Identifiers: Orphanet 2318, MedGen C3539071, MONDO:0013916, OMIM 614844.

Allele frequency attached by ClinVar (database versions not stated): ESP Exome Variant Server 0.00023; ExAC 0.00026; TOPMed 0.00036; 1000 Genomes Project 0.00060; 1000 Genomes Project 30x 0.00062.
gnomAD v4.1: 882 of 1,614,092 alleles (0.055%); highest among the groups gnomAD compares: Non-Finnish European, 0.066%; no homozygotes.

Submissions (2):

Blueprint Genetics
Classification: Uncertain significance. Last evaluated: 2024-07-15. Review status: criteria provided, single submitter. Criteria: ACMG Guidelines, 2015. Collection method: clinical testing. Allele origin: germline.

Labcorp Genetics (formerly Invitae), Labcorp
Classification: Uncertain significance for Nephronophthisis 14. Last evaluated: 2022-10-24. Review status: criteria provided, single submitter. Criteria: Invitae Variant Classification Sherloc (09022015). Collection method: clinical testing. Allele origin: germline.
Comment: This sequence change replaces valine, which is neutral and non-polar, with isoleucine, which is neutral and non-polar, at codon 460 of the ZNF423 protein (p.Val460Ile). This variant is present in population databases (rs201588114, gnomAD 0.04%). This variant has not been reported in the literature in individuals affected with ZNF423-related conditions. ClinVar contains an entry for this variant (Variation ID: 837096). Advanced modeling of protein sequence and biophysical properties (such as structural, functional, and spatial information, amino acid conservation, physicochemical variation, residue mobility, and thermodynamic stability) performed at Invitae indicates that this missense variant is not expected to disrupt ZNF423 protein function. In summary, the available evidence is currently insufficient to determine the role of this variant in disease. Therefore, it has been classified as a Variant of Uncertain Significance.

NM_001379286.1(ZNF423):c.1402G>A (p.Val468Ile)

Gene: ZNF423 (zinc finger protein 423; minus strand). Cytogenetic location: 16q12.1.
Variant type: single nucleotide variant.
Coding change: c.1402G>A on transcript NM_001379286.1 (MANE Select); coding-DNA position 1402, G replaced by A.
Protein change: p.Val468Ile; replaces valine 468 with isoleucine.
Molecular consequence: missense variant.
Genome position (GRCh38, 1-based): chr16:49,637,774, C>T on the plus strand (G>A on the coding strand, the complement: ZNF423 is on the minus strand). VCF-style: chr16-49637774-C-T. GRCh37 (hg19) VCF-style: chr16-49671685-C-T.
Other names: c.1198G>A, p.Val400Ile (NM_001271620.2); c.1027G>A, p.Val343Ile (NM_001330533.2); c.1378G>A, p.Val460Ile (NM_015069.5); short protein forms V400I, V460I, V343I, V468I.
Identifiers: ClinVar variation 837096 (VCV000837096.6), dbSNP rs201588114, ClinGen allele CA8046688.